The following is an entry in ClinVar:

NM_025136.4(OPA3):c.232G>A (p.Glu78Lys)

Genes: OPA3 (outer mitochondrial membrane lipid metabolism regulator OPA3; minus strand), OPA3-RTN2 (OPA3-RTN2 readthrough; minus strand). Cytogenetic location: 19q13.32.
Variant type: single nucleotide variant.
Coding change: c.232G>A on transcript NM_025136.4 (MANE Select); coding-DNA position 232, G replaced by A.
Protein change: p.Glu78Lys; replaces glutamic acid 78 with lysine.
Molecular consequence: missense variant. On other transcripts: intron variant (1).
Genome position (GRCh38, 1-based): chr19:45,553,822, C>T on the plus strand (G>A on the coding strand, the complement: OPA3 is on the minus strand). VCF-style: chr19-45553822-C-T. GRCh37 (hg19) VCF-style: chr19-46057080-C-T.
Other names: c.143-24366G>A (NM_001017989.3); short protein forms E78K.
Identifiers: ClinVar variation 4626676 (VCV004626676.4).

ClinVar aggregate classification (germline): Conflicting classifications of pathogenicity. Review status: criteria provided, conflicting classifications (1 of 4 stars). 4 submissions from 4 submitters: Likely pathogenic (1); Uncertain significance (3). Last evaluated 2026-01-01.

Conditions:
Inborn genetic diseases. Identifiers: MedGen C0950123, MeSH D030342.
OPA3-related disorder. Also called: OPA3-related condition.
Optic atrophy 3 (OPA3). Also called: OPTIC ATROPHY 3, AUTOSOMAL DOMINANT; Optic atrophy, cataract, and neurologic disorder; Optic atrophy 3 with cataract. Identifiers: Orphanet 67036, MedGen C1833809, MONDO:0008133, OMIM 165300.
3-Methylglutaconic aciduria type 3 (MGCA3). Also called: OPA3, AUTOSOMAL RECESSIVE; OPTIC ATROPHY 3, AUTOSOMAL RECESSIVE; OPA3-Related 3-Methylglutaconic Aciduria; Costeff Syndrome. Identifiers: Orphanet 67047, MedGen C0574084, MONDO:0009787, OMIM 258501.

Submissions (4):

Labcorp Genetics (formerly Invitae), Labcorp
Classification: Uncertain significance for 3-Methylglutaconic aciduria type 3; Optic atrophy 3. Last evaluated: 2026-01-01. Review status: criteria provided, single submitter. Criteria: Invitae Variant Classification Sherloc (09022015). Collection method: clinical testing. Allele origin: germline.
Comment: This sequence change replaces glutamic acid, which is acidic and polar, with lysine, which is basic and polar, at codon 78 of the OPA3 protein (p.Glu78Lys). This variant is not present in population databases (gnomAD no frequency). This variant has not been reported in the literature in individuals affected with OPA3-related conditions. An algorithm developed to predict the effect of missense changes on protein structure and function (PolyPhen-2) suggests that this variant is likely to be disruptive. In summary, the available evidence is currently insufficient to determine the role of this variant in disease. Therefore, it has been classified as a Variant of Uncertain Significance.

Ambry Genetics
Classification: Uncertain significance for Inborn genetic diseases. Last evaluated: 2025-12-04. Review status: criteria provided, single submitter. Criteria: Ambry Variant Classification Scheme 2023. Collection method: clinical testing. Allele origin: germline.

PreventionGenetics, part of Exact Sciences
Classification: Uncertain significance for OPA3-related condition. Last evaluated: 2025-05-08. Review status: criteria provided, single submitter. Criteria: ACMG Guidelines, 2015. Collection method: clinical testing. Allele origin: germline.
Comment: The OPA3 c.232G>A variant is predicted to result in the amino acid substitution p.Glu78Lys. To our knowledge, this variant has not been reported in the literature or in a large population database (gnomAD), indicating this variant is rare. At this time, the clinical significance of this variant is uncertain due to the absence of conclusive functional and genetic evidence.

Blueprint Genetics
Classification: Likely pathogenic for OPA3-related disorders. Last evaluated: 2020-04-14. Review status: criteria provided, single submitter. Criteria: ACMG Guidelines, 2015. Collection method: clinical testing. Allele origin: germline. Affected: yes. Observed: 2 variant alleles.